The following is an entry in ClinVar:

ClinVar aggregate classification (germline): Likely benign (1 of 4 stars; one submission).

Submission:

CeGaT Center for Human Genetics Tuebingen
Classification: Likely benign. Last evaluated: 2026-05-01. Review status: criteria provided, single submitter. Criteria: CeGaT Center For Human Genetics Tuebingen Variant Classification Criteria Version 2. Collection method: clinical testing. Allele origin: germline. Affected: yes. Observed: 1 variant allele.
Comment: HCFC1: PM2:Supporting, BP4, BP7

NM_005334.3(HCFC1):c.4557T>G (p.Leu1519=)

Gene: HCFC1 (host cell factor C1; minus strand). Cytogenetic location: Xq28.
Variant type: single nucleotide variant.
Coding change: c.4557T>G on transcript NM_005334.3 (MANE Select); coding-DNA position 4557, T replaced by G.
Protein change: p.Leu1519=; no amino-acid change (leucine 1519 retained).
Molecular consequence: synonymous variant.
Genome position (GRCh38, 1-based): chrX:153,952,899, A>C on the plus strand (T>G on the coding strand, the complement: HCFC1 is on the minus strand). VCF-style: chrX-153952899-A-C. GRCh37 (hg19) VCF-style: chrX-153218350-A-C.
Other names: c.4689T>G, p.Leu1563= (NM_001410705.1, NM_001440843.1, NM_001440844.1); c.4686T>G, p.Leu1562= (NM_001440845.1, NM_001440846.1); c.4557T>G, p.Leu1519= (NM_001440847.1, NM_001440848.1, NM_001440849.1); c.4491T>G, p.Leu1497= (NM_001440850.1); c.4359T>G, p.Leu1453= (NM_001440851.1).
Identifiers: ClinVar variation 4873180 (VCV004873180.2).